The following is an entry in ClinVar:

NM_000057.4(BLM):c.1088-5T>A

Gene: BLM (BLM RecQ like helicase; plus strand). Cytogenetic location: 15q26.1.
Variant type: single nucleotide variant.
Coding change: c.1088-5T>A on transcript NM_000057.4 (MANE Select); 5 bases into the intron before coding-DNA position 1088, T replaced by A.
Molecular consequence: intron variant. On other transcripts: 5 prime UTR variant (1).
Genome position (GRCh38, 1-based): chr15:90,760,142, T>A. VCF-style: chr15-90760142-T-A. GRCh37 (hg19) VCF-style: chr15-91303372-T-A.
Other names: c.-43T>A (NM_001287248.2); c.1088-5T>A (NM_001287246.2, NM_001287247.2).
Identifiers: ClinVar variation 2035492 (VCV002035492.4), dbSNP rs2151157089, ClinGen allele CA2580090593.
Genomic context (GRCh38, chr15:90,760,142, plus strand): 5'-TGCCTAGCCAAGACTTTTTTTTTTTTCCCTCAAAGAAAAATATTAACAACATAATTATTT[T>A]ATAGCTAGACAGATAAGTTTACAGCAGCAGCTTATTCATGTGATGGAGCACATCTGTAAA-3'

ClinVar aggregate classification (germline): Uncertain significance (1 of 4 stars; one submission).

Conditions:
Bloom syndrome (BLM). Also called: Bloom-Torre-Machacek syndrome. Identifiers: Orphanet 125, MedGen C0005859, MONDO:0008876, OMIM 210900.

Submission:

Labcorp Genetics (formerly Invitae), Labcorp
Classification: Uncertain significance for Bloom syndrome. Last evaluated: 2022-10-14. Review status: criteria provided, single submitter. Criteria: Invitae Variant Classification Sherloc (09022015). Collection method: clinical testing. Allele origin: germline.
Comment: In summary, the available evidence is currently insufficient to determine the role of this variant in disease. Therefore, it has been classified as a Variant of Uncertain Significance. Algorithms developed to predict the effect of sequence changes on RNA splicing suggest that this variant may disrupt the consensus splice site. This variant has not been reported in the literature in individuals affected with BLM-related conditions. This variant is not present in population databases (gnomAD no frequency). This sequence change falls in intron 5 of the BLM gene. It does not directly change the encoded amino acid sequence of the BLM protein.